The following is an entry in ClinVar:

NM_019892.6(INPP5E):c.1387+2T>A

Gene: INPP5E (inositol polyphosphate-5-phosphatase E; minus strand). Cytogenetic location: 9q34.3.
Variant type: single nucleotide variant.
Coding change: c.1387+2T>A on transcript NM_019892.6 (MANE Select); the canonical splice donor site of the intron after coding-DNA position 1387, T replaced by A.
Molecular consequence: splice donor variant.
Genome position (GRCh38, 1-based): chr9:136,432,477, A>T on the plus strand (T>A on the coding strand, the complement: INPP5E is on the minus strand). VCF-style: chr9-136432477-A-T. GRCh37 (hg19) VCF-style: chr9-139326929-A-T.
Other names: c.1384+2T>A (NM_001318502.2).
Identifiers: ClinVar variation 4994219 (VCV004994219.1).

ClinVar aggregate classification (germline): Likely pathogenic (1 of 4 stars; one submission).

Conditions:
INPP5E-related disorder. Also called: INPP5E-related condition.

gnomAD v4.1: 1 of 1,543,406 alleles (0.000065%); highest among the groups gnomAD compares: Non-Finnish European, 0.000088%; no homozygotes.

Submission:

PreventionGenetics, part of Exact Sciences
Classification: Likely pathogenic for INPP5E-related condition. Last evaluated: 2026-03-11. Review status: criteria provided, single submitter. Criteria: ACMG Guidelines, 2015. Collection method: clinical testing. Allele origin: germline.
Comment: The INPP5E c.1387+2T>A variant is predicted to disrupt the GT donor site and interfere with normal splicing. To our knowledge, this variant has not been reported in the literature or in a large population database (gnomAD), indicating this variant is rare. Variants that disrupt the consensus splice donor site in INPP5E are expected to be pathogenic. This variant is interpreted as likely pathogenic.